The following is an entry in ClinVar:

ClinVar aggregate classification (germline): Uncertain significance (1 of 4 stars; one submission).

Conditions:
Myofibrillar myopathy 5. Also called: Filaminopathy (type); FILAMINOPATHY, AUTOSOMAL DOMINANT. Identifiers: Orphanet 171445, MedGen C1836050, MONDO:0012289, OMIM 609524.
Distal myopathy with posterior leg and anterior hand involvement. Also called: WILLIAMS DISTAL MYOPATHY. Identifiers: Orphanet 63273, MedGen C3279722, MONDO:0013550, OMIM 614065.
Hypertrophic cardiomyopathy 26. Also called: Cardiomyopathy, familial hypertrophic, 26. Identifiers: Orphanet 75249, MedGen C4310749, MONDO:0014883, OMIM 617047.

Submission:

Labcorp Genetics (formerly Invitae), Labcorp
Classification: Uncertain significance for Distal myopathy with posterior leg and anterior hand involvement; Myofibrillar myopathy 5; Hypertrophic cardiomyopathy 26. Last evaluated: 2024-10-16. Review status: criteria provided, single submitter. Criteria: Invitae Variant Classification Sherloc (09022015). Collection method: clinical testing. Allele origin: germline.
Comment: This sequence change replaces glycine, which is neutral and non-polar, with alanine, which is neutral and non-polar, at codon 2379 of the FLNC protein (p.Gly2379Ala). This variant is not present in population databases (gnomAD no frequency). This variant has not been reported in the literature in individuals affected with FLNC-related conditions. An algorithm developed to predict the effect of missense changes on protein structure and function (PolyPhen-2) suggests that this variant is likely to be disruptive. In summary, the available evidence is currently insufficient to determine the role of this variant in disease. Therefore, it has been classified as a Variant of Uncertain Significance.

NM_001458.5(FLNC):c.7136G>C (p.Gly2379Ala)

Genes: FLNC-AS1 (FLNC antisense RNA 1; minus strand), FLNC (filamin C; plus strand). Cytogenetic location: 7q32.1.
Variant type: single nucleotide variant.
Coding change: c.7136G>C on transcript NM_001458.5 (MANE Select); coding-DNA position 7136, G replaced by C.
Protein change: p.Gly2379Ala; replaces glycine 2379 with alanine.
Molecular consequence: missense variant.
Genome position (GRCh38, 1-based): chr7:128,855,199, G>C. VCF-style: chr7-128855199-G-C. GRCh37 (hg19) VCF-style: chr7-128495253-G-C.
Other names: c.7037G>C, p.Gly2346Ala (NM_001127487.2); short protein forms G2346A, G2379A.
Identifiers: ClinVar variation 3752491 (VCV003752491.2).